The following is an entry in ClinVar:

NM_002439.5(MSH3):c.1795del (p.Glu599fs)

Gene: MSH3 (mutS homolog 3; plus strand). Cytogenetic location: 5q14.1.
Variant type: Deletion.
Coding change: c.1795del on transcript NM_002439.5 (MANE Select); coding-DNA position 1795, one base deleted (G; older notation c.1795delG).
Protein change: p.Glu599fs; shifts the reading frame from glutamic acid 599.
Molecular consequence: frameshift variant.
Genome position (GRCh38, 1-based): chr5:80,761,577, G deleted; the last of 2 consecutive G bases (chr5:80,761,576-80,761,577); deleting either gives the same sequence. VCF-style (leftmost placement, unchanged base first): chr5-80761575-CG-C. GRCh37 (hg19) VCF-style: chr5-80057394-CG-C.
Other names: short protein forms E599fs.
Identifiers: ClinVar variation 4071390 (VCV004071390.1).
Genomic context (GRCh38, chr5:80,761,575, plus strand): 5'-TCTGATTATTGCTATTACTCTTTTCTCACAGGGAAATAAATGCCCGGCTTGATGCTGTAT[CG>C]GAAGTTCTCCATTCAGAATCTAGTGTGTTTGGTCAGATAGAAAATCATCTACGTAAATTG-3'

ClinVar aggregate classification (germline): Pathogenic (1 of 4 stars; one submission).

Conditions:
Familial adenomatous polyposis 4 (FAP4). Also called: MSH3-related attenuated familial adenomatous polyposis. Identifiers: Orphanet 480536, MedGen C4310719, MONDO:0044300, OMIM 617100.

Submission:

Myriad Genetics, Inc.
Classification: Pathogenic for Familial adenomatous polyposis 4. Last evaluated: 2025-05-07. Review status: criteria provided, single submitter. Criteria: Myriad Autosomal Dominant, Autosomal Recessive and X-Linked Classification Criteria (2023). Collection method: clinical testing. Allele origin: unknown.
Comment: This variant is considered pathogenic. This variant creates a frameshift predicted to result in premature protein truncation.